The following is an entry in ClinVar:

ClinVar aggregate classification (germline): Benign/Likely benign. Review status: criteria provided, multiple submitters, no conflicts (2 of 4 stars). 5 submissions from 5 submitters: Benign (2); Likely benign (3). Last evaluated 2026-01-26.

Allele frequency attached by ClinVar (database versions not stated): gnomAD exomes 0.00095; ExAC 0.00100; ESP Exome Variant Server 0.00246; 1000 Genomes Project 0.00339; 1000 Genomes Project 30x 0.00406.
gnomAD v4.1: 1,085 of 1,602,738 alleles (0.068%); highest among the groups gnomAD compares: African/African-American, 1%; 6 homozygotes.

Submissions (5):

Labcorp Genetics (formerly Invitae), Labcorp
Classification: Benign. Last evaluated: 2026-01-26. Review status: criteria provided, single submitter. Criteria: Invitae Variant Classification Sherloc (09022015). Collection method: clinical testing. Allele origin: germline.

Women's Health and Genetics/Laboratory Corporation of America, LabCorp
Classification: Likely benign. Last evaluated: 2026-01-23. Review status: criteria provided, single submitter. Criteria: LabCorp Variant Classification Summary - May 2015. Collection method: clinical testing. Allele origin: germline.

Blueprint Genetics
Classification: Likely benign. Last evaluated: 2024-11-01. Review status: criteria provided, single submitter. Criteria: ACMG Guidelines, 2015. Collection method: clinical testing. Allele origin: germline.

CeGaT Center for Human Genetics Tuebingen
Classification: Likely benign. Last evaluated: 2024-10-01. Review status: criteria provided, single submitter. Criteria: CeGaT Center For Human Genetics Tuebingen Variant Classification Criteria Version 2. Collection method: clinical testing. Allele origin: germline. Affected: yes. Observed: 1 variant allele.
Comment: FCHO1: BP4, BS1

Breakthrough Genomics
Classification: Benign. Review status: criteria provided, single submitter. Criteria: ACMG Guidelines, 2015. Collection method: not provided. Allele origin: germline. Inheritance: Autosomal recessive inheritance. Affected: yes.

NM_015122.3(FCHO1):c.194+8G>T

Gene: FCHO1 (FCH and mu domain containing endocytic adaptor 1; plus strand). Cytogenetic location: 19p13.11.
Variant type: single nucleotide variant.
Coding change: c.194+8G>T on transcript NM_015122.3 (MANE Select); 8 bases into the intron after coding-DNA position 194, G replaced by T.
Molecular consequence: intron variant.
Genome position (GRCh38, 1-based): chr19:17,764,457, G>T. VCF-style: chr19-17764457-G-T. GRCh37 (hg19) VCF-style: chr19-17875266-G-T.
Other names: c.194+8G>T (NM_001384370.1, NM_001384396.1, NM_001384404.1 and 29 more transcripts); c.119+1604G>T (NM_001384390.1); c.44+8G>T (NM_001384406.1, NM_001384407.1, NM_001384384.1 and 3 more transcripts).
Identifiers: ClinVar variation 1166277 (VCV001166277.25), dbSNP rs147597811, ClinGen allele CA9300005.
Genomic context (GRCh38, chr19:17,764,457, plus strand): 5'-TCGAAGGCGATGGCGAAACTCTCCAAGCTGGCCAGCAACGGGACCCCCATGGGGTGAGTG[G>T]GGTAGGGGTCACCAACATGGGGACATTGGGAGCCTCCTCCTTGGTGGACATCTCTTCACA-3'